The following is an entry in ClinVar:

ClinVar aggregate classification (germline): Conflicting classifications of pathogenicity. Review status: criteria provided, conflicting classifications (1 of 4 stars). 3 submissions from 3 submitters: Uncertain significance (1); Likely benign (1). 1 of the submissions does not count toward it. Last evaluated 2024-04-06.

Conditions:
PGM1-related disorder. Also called: PGM1-related condition; PGM1-related disorders.
PGM1-congenital disorder of glycosylation. Also called: PHOSPHOGLUCOMUTASE 1 DEFICIENCY; PGM1 DEFICIENCY; GLYCOGEN STORAGE DISEASE XIV; Congenital disorder of glycosylation type 1t; CDG It; GSD XIV. Identifiers: Orphanet 319646, MedGen C2752015, MONDO:0013968, OMIM 614921.
Inborn genetic diseases. Identifiers: MedGen C0950123, MeSH D030342.

Allele frequency attached by ClinVar (database versions not stated): gnomAD 0.00001; TOPMed 0.00001; ExAC 0.00002.
gnomAD v4.1: 8 of 1,613,914 alleles (0.0005%); highest among the groups gnomAD compares: Admixed American, 0.0033%; no homozygotes.

Submissions (3):

Ambry Genetics
Classification: Likely benign for Inborn genetic diseases. Last evaluated: 2024-04-06. Review status: criteria provided, single submitter. Criteria: Ambry Variant Classification Scheme 2023. Collection method: clinical testing. Allele origin: germline.

Labcorp Genetics (formerly Invitae), Labcorp
Classification: Uncertain significance for PGM1-congenital disorder of glycosylation. Last evaluated: 2022-06-27. Review status: criteria provided, single submitter. Criteria: Invitae Variant Classification Sherloc (09022015). Collection method: clinical testing. Allele origin: germline.
Comment: This sequence change replaces glutamine, which is neutral and polar, with proline, which is neutral and non-polar, at codon 13 of the PGM1 protein (p.Gln13Pro). The frequency data for this variant in the population databases is considered unreliable, as metrics indicate poor data quality at this position in the gnomAD database. This variant has not been reported in the literature in individuals affected with PGM1-related conditions. Algorithms developed to predict the effect of missense changes on protein structure and function (SIFT, PolyPhen-2, Align-GVGD) all suggest that this variant is likely to be tolerated. In summary, the available evidence is currently insufficient to determine the role of this variant in disease. Therefore, it has been classified as a Variant of Uncertain Significance.

PreventionGenetics, part of Exact Sciences
Classification: Uncertain significance for PGM1-related condition. Last evaluated: 2024-08-15. Review status: no assertion criteria provided. Collection method: clinical testing. Allele origin: germline. Not counted in ClinVar's aggregate classification.
Comment: The PGM1 c.38A>C variant is predicted to result in the amino acid substitution p.Gln13Pro. To our knowledge, this variant has not been reported in the literature. This variant is reported in 0.016% of alleles in individuals of East Asian descent in gnomAD. At this time, the clinical significance of this variant is uncertain due to the absence of conclusive functional and genetic evidence.

NM_002633.3(PGM1):c.38A>C (p.Gln13Pro)

Genes: PGM1 (phosphoglucomutase 1; plus strand), LOC129930668 (ATAC-STARR-seq lymphoblastoid active region 1127; plus strand). Cytogenetic location: 1p31.3.
Variant type: single nucleotide variant.
Coding change: c.38A>C on transcript NM_002633.3 (MANE Select); coding-DNA position 38, A replaced by C.
Protein change: p.Gln13Pro; replaces glutamine 13 with proline.
Molecular consequence: missense variant.
Genome position (GRCh38, 1-based): chr1:63,593,526, A>C. VCF-style: chr1-63593526-A-C. GRCh37 (hg19) VCF-style: chr1-64059197-A-C.
Other names: c.38A>C (NM_002633.2); short protein forms Q13P.
Identifiers: ClinVar variation 2082775 (VCV002082775.3), dbSNP rs371275043, ClinGen allele CA889343.